The following is an entry in ClinVar:

ClinVar aggregate classification (germline): Uncertain significance (1 of 4 stars; one submission).

Conditions:
Brugada syndrome. Also called: Sudden unexpected nocturnal death syndrome; Sudden Unexplained Death Syndrome; Sudden Unexplained Nocturnal Death Syndrome (SUNDS); Sudden unexplained nocturnal death syndrome. Identifiers: Orphanet 130, MedGen C1142166, MONDO:0015263.

Allele frequency attached by ClinVar (database versions not stated): TOPMed below 0.00001.

Submission:

Labcorp Genetics (formerly Invitae), Labcorp
Classification: Uncertain significance for Brugada syndrome. Last evaluated: 2023-03-16. Review status: criteria provided, single submitter. Criteria: Invitae Variant Classification Sherloc (09022015). Collection method: clinical testing. Allele origin: germline.
Comment: In summary, the available evidence is currently insufficient to determine the role of this variant in disease. Therefore, it has been classified as a Variant of Uncertain Significance. An algorithm developed to predict the effect of missense changes on protein structure and function (PolyPhen-2) suggests that this variant is likely to be disruptive. This variant has not been reported in the literature in individuals affected with CACNA2D1-related conditions. This variant is not present in population databases (gnomAD no frequency). This sequence change replaces phenylalanine, which is neutral and non-polar, with isoleucine, which is neutral and non-polar, at codon 337 of the CACNA2D1 protein (p.Phe337Ile).

NM_000722.4(CACNA2D1):c.1009T>A (p.Phe337Ile)

Gene: CACNA2D1 (calcium voltage-gated channel auxiliary subunit alpha2delta 1; minus strand). Cytogenetic location: 7q21.11.
Variant type: single nucleotide variant.
Coding change: c.1009T>A on transcript NM_000722.4 (MANE Select); coding-DNA position 1009, T replaced by A.
Protein change: p.Phe337Ile; replaces phenylalanine 337 with isoleucine.
Molecular consequence: missense variant.
Genome position (GRCh38, 1-based): chr7:82,038,106, A>T on the plus strand (T>A on the coding strand, the complement: CACNA2D1 is on the minus strand). VCF-style: chr7-82038106-A-T. GRCh37 (hg19) VCF-style: chr7-81667422-A-T.
Other names: c.1009T>A, p.Phe337Ile (NM_001366867.1); short protein forms F337I.
Identifiers: ClinVar variation 3016907 (VCV003016907.3), dbSNP rs1324013633, ClinGen allele CA367879895.